The following is an entry in ClinVar:

ClinVar aggregate classification (germline): Uncertain significance (1 of 4 stars; one submission).

gnomAD v4.1: 23 of 1,614,142 alleles (0.0014%); highest among the groups gnomAD compares: Non-Finnish European, 0.0019%; no homozygotes.

Submission:

GeneDx
Classification: Uncertain significance. Last evaluated: 2024-08-21. Review status: criteria provided, single submitter. Criteria: GeneDx Variant Classification Process June 2021. Collection method: clinical testing. Allele origin: germline. Affected: yes.
Comment: Not observed at significant frequency in large population cohorts (gnomAD); In silico analysis supports that this missense variant has a deleterious effect on protein structure/function; Has not been previously published as pathogenic or benign to our knowledge

NM_000426.4(LAMA2):c.9124G>A (p.Asp3042Asn)

Gene: LAMA2 (laminin subunit alpha 2; plus strand). Cytogenetic location: 6q22.33.
Variant type: single nucleotide variant.
Coding change: c.9124G>A on transcript NM_000426.4 (MANE Select); coding-DNA position 9124, G replaced by A.
Protein change: p.Asp3042Asn; replaces aspartic acid 3042 with asparagine.
Molecular consequence: missense variant.
Genome position (GRCh38, 1-based): chr6:129,514,508, G>A. VCF-style: chr6-129514508-G-A. GRCh37 (hg19) VCF-style: chr6-129835653-G-A.
Other names: c.9112G>A, p.Asp3038Asn (NM_001079823.2); short protein forms D3038N, D3042N.
Identifiers: ClinVar variation 3764338 (VCV003764338.1).